The following is an entry in ClinVar:

NM_007327.4(GRIN1):c.790G>A (p.Asp264Asn)

Gene: GRIN1 (glutamate ionotropic receptor NMDA type subunit 1; plus strand). Cytogenetic location: 9q34.3.
Variant type: single nucleotide variant.
Coding change: c.790G>A on transcript NM_007327.4 (MANE Select); coding-DNA position 790, G replaced by A.
Protein change: p.Asp264Asn; replaces aspartic acid 264 with asparagine.
Molecular consequence: missense variant.
Genome position (GRCh38, 1-based): chr9:137,156,787, G>A. VCF-style: chr9-137156787-G-A. GRCh37 (hg19) VCF-style: chr9-140051239-G-A.
Other names: c.790G>A, p.Asp264Asn (NM_000832.7, NM_021569.4); c.853G>A, p.Asp285Asn (NM_001185090.2, NM_001185091.2, NM_001437330.1 and 1 more transcripts); short protein forms D285N, D264N.
Identifiers: ClinVar variation 4795261 (VCV004795261.1).

ClinVar aggregate classification (germline): Uncertain significance (1 of 4 stars; one submission).

Submission:

GeneDx
Classification: Uncertain significance. Last evaluated: 2025-08-15. Review status: criteria provided, single submitter. Criteria: GeneDx Variant Classification Process June 2021. Collection method: clinical testing. Allele origin: germline. Affected: yes.
Comment: Not observed at significant frequency in large population cohorts (gnomAD); In silico analysis suggests that this missense variant does not alter protein structure/function; Has not been previously published as pathogenic or benign to our knowledge